The following is an entry in ClinVar:

ClinVar aggregate classification (germline): Uncertain significance (1 of 4 stars; one submission).

Submission:

Labcorp Genetics (formerly Invitae), Labcorp
Classification: Uncertain significance. Last evaluated: 2022-09-23. Review status: criteria provided, single submitter. Criteria: Invitae Variant Classification Sherloc (09022015). Collection method: clinical testing. Allele origin: germline.
Comment: This sequence change replaces histidine, which is basic and polar, with tyrosine, which is neutral and polar, at codon 31 of the CTF1 protein (p.His31Tyr). This variant is not present in population databases (gnomAD no frequency). This variant has not been reported in the literature in individuals affected with CTF1-related conditions. Algorithms developed to predict the effect of missense changes on protein structure and function (SIFT, PolyPhen-2, Align-GVGD) all suggest that this variant is likely to be disruptive. In summary, the available evidence is currently insufficient to determine the role of this variant in disease. Therefore, it has been classified as a Variant of Uncertain Significance.

NM_001330.5(CTF1):c.91C>T (p.His31Tyr)

Gene: CTF1 (cardiotrophin 1; plus strand). Cytogenetic location: 16p11.2.
Variant type: single nucleotide variant.
Coding change: c.91C>T on transcript NM_001330.5 (MANE Select); coding-DNA position 91, C replaced by T.
Protein change: p.His31Tyr; replaces histidine 31 with tyrosine.
Molecular consequence: missense variant. On other transcripts: non-coding transcript variant (1).
Genome position (GRCh38, 1-based): chr16:30,899,480, C>T. VCF-style: chr16-30899480-C-T. GRCh37 (hg19) VCF-style: chr16-30910801-C-T.
Other names: c.88C>T, p.His30Tyr (NM_001142544.3); short protein forms H30Y, H31Y.
Identifiers: ClinVar variation 2150168 (VCV002150168.4), dbSNP rs756135625, ClinGen allele CA395633419.